The following is an entry in ClinVar:

NM_001394062.1(MACF1):c.4672T>G (p.Phe1558Val)

Gene: MACF1 (microtubule actin crosslinking factor 1; plus strand). Cytogenetic location: 1p34.3.
Variant type: single nucleotide variant.
Coding change: c.4672T>G on transcript NM_001394062.1 (MANE Select); coding-DNA position 4672, T replaced by G.
Protein change: p.Phe1558Val; replaces phenylalanine 1558 with valine.
Molecular consequence: missense variant. On other transcripts: intron variant (1).
Genome position (GRCh38, 1-based): chr1:39,331,260, T>G. VCF-style: chr1-39331260-T-G. GRCh37 (hg19) VCF-style: chr1-39796932-T-G.
Other names: c.4629+3907T>G (NM_012090.5); short protein forms F1558V.
Identifiers: ClinVar variation 5006505 (VCV005006505.2).
Genomic context (GRCh38, chr1:39,331,260, plus strand): 5'-TAGGAATGCAGAGCAGTTGCTGGGGTGATTGACCTAGGCACAGTGGAGATATTTCCCATC[T>G]TCAAAGCCATGCAAAAGGGCCTCCTTGACCAAGACACAGGCCTAGTGCTTCTGGAATCTC-3'
Protein context (NP_001380991.1, residues 1548-1568): DLGTVEIFPI[Phe1558Val]KAMQKGLLDQ

ClinVar aggregate classification (germline): Uncertain significance (1 of 4 stars; one submission).

Conditions:
Lissencephaly 9 with complex brainstem malformation. Identifiers: Orphanet 572013, MedGen C5193029, MONDO:0032677, OMIM 618325.

Submission:

Juno Genomics, Hangzhou Juno Genomics, Inc
Classification: Uncertain significance for Lissencephaly 9 with complex brainstem malformation. Review status: criteria provided, single submitter. Criteria: ACMG Guidelines, 2015. Collection method: clinical testing. Allele origin: germline.
Comment: Absent from controls (or at extremely low frequency if recessive) in Genome Aggregation Database.;Missense variant in a gene that has a low rate of benign missense variation.